The following is an entry in ClinVar:

ClinVar aggregate classification (germline): Pathogenic (1 of 4 stars; one submission).

Conditions:
Cohen syndrome (COH1). Also called: PEPPER SYNDROME; Cutis verticis gyrata, retinitis pigmentosa, and sensorineural deafness. Identifiers: Orphanet 193, MedGen C0265223, MONDO:0008999, OMIM 216550.

Submission:

Myriad Genetics, Inc.
Classification: Pathogenic for Cohen syndrome. Last evaluated: 2026-08-10. Review status: criteria provided, single submitter. Criteria: Myriad Autosomal Dominant, Autosomal Recessive and X-Linked Classification Criteria (2023). Collection method: clinical testing. Allele origin: unknown.
Comment: NM_017890.4(VPS13B):c.862G>T(E288*) is a nonsense variant classified as pathogenic in the context of Cohen syndrome. E288* has not been observed in cases with relevant disease. Relevant functional assessments of this variant are not available in the literature. E288* has not been observed in referenced population frequency databases. In summary, NM_017890.4(VPS13B):c.862G>T(E288*) is a nonsense variant in a gene where loss of function is a known mechanism of disease and is predicted to disrupt protein function. Please note: this variant was assessed in the context of healthy population screening.

NM_152564.5(VPS13B):c.862G>T (p.Glu288Ter)

Gene: VPS13B (vacuolar protein sorting 13 homolog B; plus strand). Cytogenetic location: 8q22.2.
Variant type: single nucleotide variant.
Coding change: c.862G>T on transcript NM_152564.5 (MANE Select); coding-DNA position 862, G replaced by T.
Protein change: p.Glu288Ter; replaces glutamic acid 288 with a stop codon.
Molecular consequence: nonsense. On other transcripts: non-coding transcript variant (1).
Genome position (GRCh38, 1-based): chr8:99,115,799, G>T. VCF-style: chr8-99115799-G-T. GRCh37 (hg19) VCF-style: chr8-100128027-G-T.
Other names: c.862G>T, p.Glu288Ter (NM_015243.3, NM_017890.5, NM_181661.3); short protein forms E288*.
Identifiers: ClinVar variation 5004838 (VCV005004838.1).